The following is an entry in ClinVar:

ClinVar aggregate classification (germline): Benign. Review status: criteria provided, multiple submitters, no conflicts (2 of 4 stars). 7 submissions from 6 submitters: Benign (7). Last evaluated 2026-02-03.

Conditions:
Autosomal dominant cerebellar ataxia. Also called: Spinocerebellar Ataxia, Dominant. Identifiers: Orphanet 99, MedGen C4087347, MONDO:0020380.
Charcot-Marie-Tooth disease. Also called: Charcot-Marie-Tooth Neuropathy; Charcot-Marie-Tooth Hereditary Neuropathy. Identifiers: Orphanet 166, MedGen C0007959, MONDO:0015626.
Charcot-Marie-Tooth disease axonal type 2O. Also called: CHARCOT-MARIE-TOOTH NEUROPATHY, AXONAL, TYPE 2O; CHARCOT-MARIE-TOOTH DISEASE, AXONAL, AUTOSOMAL DOMINANT, TYPE 2O; Charcot-Marie-Tooth Neuropathy Type 2O; Charcot-Marie-Tooth disease, axonal, type 20. Identifiers: Orphanet 284232, MedGen C3280220, MONDO:0013644, OMIM 614228.

Allele frequency attached by ClinVar (database versions not stated): gnomAD exomes 0.00126 and 0.00306; ExAC 0.00366; gnomAD 0.01356 and 0.01447; ESP Exome Variant Server 0.01434; 1000 Genomes Project 30x 0.01468; 1000 Genomes Project 0.01498; TOPMed 0.01513.
gnomAD v4.1: 3,982 of 1,613,352 alleles (0.25%); highest among the groups gnomAD compares: African/African-American, 4.7%; 92 homozygotes.

Submissions (7):

Labcorp Genetics (formerly Invitae), Labcorp
Classification: Benign for Charcot-Marie-Tooth disease axonal type 2O. Last evaluated: 2026-02-03. Review status: criteria provided, single submitter. Criteria: Invitae Variant Classification Sherloc (09022015). Collection method: clinical testing. Allele origin: germline.

ARUP Laboratories, Molecular Genetics and Genomics, ARUP Laboratories
Classification: Benign. Last evaluated: 2020-12-12. Review status: criteria provided, single submitter. Criteria: ARUP Molecular Germline Variant Investigation Process 2021. Collection method: clinical testing. Allele origin: germline.

Illumina Laboratory Services, Illumina
Classification: Benign for Charcot-Marie-Tooth disease axonal type 2O. Last evaluated: 2018-01-13. Review status: criteria provided, single submitter. Criteria: ICSL Variant Classification Criteria 13 December 2019. Collection method: clinical testing. Allele origin: germline.
Comment: This variant was observed in the ICSL laboratory as part of a predisposition screen in an ostensibly healthy population. It had not been previously curated by ICSL or reported in the Human Gene Mutation Database (HGMD: prior to June 1st, 2018), and was therefore a candidate for classification through an automated scoring system. Utilizing variant allele frequency, disease prevalence and penetrance estimates, and inheritance mode, an automated score was calculated to assess if this variant is too frequent to cause the disease. Based on the score and internal cut-off values, a variant classified as benign is not then subjected to further curation. The score for this variant resulted in a classification of benign for this disease.

Illumina Laboratory Services, Illumina
Classification: Benign for Spinocerebellar Ataxia, Dominant. Last evaluated: 2018-01-13. Review status: criteria provided, single submitter. Criteria: ICSL Variant Classification Criteria 13 December 2019. Collection method: clinical testing. Allele origin: germline.
Comment: the same text as in the submission from Illumina Laboratory Services, Illumina above.

GeneDx
Classification: Benign. Last evaluated: 2015-03-03. Review status: criteria provided, single submitter. Criteria: GeneDx Variant Classification Process June 2021. Collection method: clinical testing. Allele origin: germline. Affected: yes.

Breakthrough Genomics
Classification: Benign. Review status: criteria provided, single submitter. Criteria: ACMG Guidelines, 2015. Collection method: not provided. Allele origin: germline. Inheritance: Autosomal dominant inheritance. Affected: yes.

Molecular Genetics Laboratory, London Health Sciences Centre
Classification: Benign for Charcot-Marie-Tooth disease. Review status: criteria provided, single submitter. Criteria: ACMG Guidelines, 2015. Collection method: clinical testing. Allele origin: germline. Affected: yes.

NM_001376.5(DYNC1H1):c.6221+13G>T

Gene: DYNC1H1 (dynein cytoplasmic 1 heavy chain 1; plus strand). Cytogenetic location: 14q32.31.
Variant type: single nucleotide variant.
Coding change: c.6221+13G>T on transcript NM_001376.5 (MANE Select); 13 bases into the intron after coding-DNA position 6221, G replaced by T.
Molecular consequence: intron variant.
Genome position (GRCh38, 1-based): chr14:102,010,099, G>T. VCF-style: chr14-102010099-G-T. GRCh37 (hg19) VCF-style: chr14-102476436-G-T.
Identifiers: ClinVar variation 312634 (VCV000312634.22), dbSNP rs17541088, ClinGen allele CA7352564.
Genomic context (GRCh38, chr14:102,010,099, plus strand): 5'-TTTCCGCACTGCTGAAGTGCTTGCCAACAAAATCGTCCCGTTTTTTAAGTAAGTAGCCTA[G>T]AATTCTTCATAATCATGTTTCTTGCATATGTTAAATGTGTCCATTTAACCTTAAAATTTT-3'